The following is an entry in ClinVar:

ClinVar aggregate classification (germline): Pathogenic/Likely pathogenic. Review status: criteria provided, multiple submitters, no conflicts (2 of 4 stars). 6 submissions from 6 submitters: Pathogenic (4); Likely pathogenic (1). 1 of the submissions does not count toward it. Last evaluated 2025-10-14.

Conditions:
Retinitis pigmentosa (RP). Identifiers: Orphanet 791, MedGen C0035334, MeSH D012174, MONDO:0019200, OMIM 268000. Inheritance: Autosomal dominant, autosomal recessive and X linked inheritance.
Retinal dystrophy. Also called: Inherited retinal dystrophy. Identifiers: Orphanet 71862, MedGen C0854723, MeSH D058499, MONDO:0019118, HP:0000556.
Leber congenital amaurosis 15 (LCA15). Identifiers: Orphanet 65, MedGen C3151206, MONDO:0013457, OMIM 613843.
Retinitis pigmentosa 14 (RP14). Also called: RETINITIS PIGMENTOSA, JUVENILE, TULP1-RELATED. Identifiers: Orphanet 791, MedGen C1838603, MONDO:0010827, OMIM 600132.
TULP1-related disorder. Also called: TULP1-related condition; TULP1-related disorders.

Allele frequency attached by ClinVar (database versions not stated): gnomAD below 0.00001 and 0.00001; TOPMed below 0.00001; gnomAD exomes 0.00001; ExAC 0.00002.
gnomAD v4.1: 8 of 1,614,026 alleles (0.0005%); highest among the groups gnomAD compares: South Asian, 0.0088%; no homozygotes.

Submissions (6):

Labcorp Genetics (formerly Invitae), Labcorp
Classification: Pathogenic. Last evaluated: 2025-10-14. Review status: criteria provided, single submitter. Criteria: Invitae Variant Classification Sherloc (09022015). Collection method: clinical testing. Allele origin: germline.
Comment: This sequence change replaces asparagine, which is neutral and polar, with lysine, which is basic and polar, at codon 349 of the TULP1 protein (p.Asn349Lys). This variant is present in population databases (rs763272975, gnomAD 0.006%). This missense change has been observed in individuals with TULP1-related conditions (PMID: 22605927, 24265693, 33173045). It has also been observed to segregate with disease in related individuals. ClinVar contains an entry for this variant (Variation ID: 812440). Invitae Evidence Modeling of protein sequence and biophysical properties (such as structural, functional, and spatial information, amino acid conservation, physicochemical variation, residue mobility, and thermodynamic stability) indicates that this missense variant is expected to disrupt TULP1 protein function with a positive predictive value of 95%. For these reasons, this variant has been classified as Pathogenic.

Fulgent Genetics
Classification: Pathogenic for Retinitis pigmentosa 14; Leber congenital amaurosis 15. Last evaluated: 2024-04-07. Review status: criteria provided, single submitter. Criteria: ACMG Guidelines, 2015. Collection method: clinical testing. Allele origin: germline.

Blueprint Genetics
Classification: Pathogenic for TULP1-related disorders. Last evaluated: 2022-02-24. Review status: criteria provided, single submitter. Criteria: ACMG Guidelines, 2015. Collection method: clinical testing. Allele origin: germline. Affected: yes. Observed: 5 variant alleles.

Institute of Human Genetics, Univ. Regensburg, Univ. Regensburg
Classification: Likely pathogenic for Retinal dystrophy. Last evaluated: 2019-01-01. Review status: criteria provided, single submitter. Criteria: ACMG Guidelines, 2015. Collection method: clinical testing. Allele origin: germline. Affected: yes.

CeGaT Center for Human Genetics Tuebingen
Classification: Pathogenic. Last evaluated: 2018-12-01. Review status: criteria provided, single submitter. Criteria: CeGaT Center For Human Genetics Tuebingen Variant Classification Criteria Version 2. Collection method: clinical testing. Allele origin: germline. Affected: yes. Observed: 2 variant alleles.

Sharon lab, Hadassah-Hebrew University Medical Center
Classification: Likely pathogenic for Retinitis pigmentosa. Last evaluated: 2019-06-23. Review status: no assertion criteria provided. Collection method: research. Allele origin: inherited. Affected: yes. Not counted in ClinVar's aggregate classification.

Literature cited by the submitters: PubMed 22605927 (cited by Labcorp Genetics (formerly Invitae), Labcorp and Institute of Human Genetics, Univ. Regensburg, Univ. Regensburg); PubMed 24265693 (cited by Labcorp Genetics (formerly Invitae), Labcorp and Institute of Human Genetics, Univ. Regensburg, Univ. Regensburg); PubMed 33173045 (cited by Labcorp Genetics (formerly Invitae), Labcorp and Institute of Human Genetics, Univ. Regensburg, Univ. Regensburg); PubMed 29068479 (cited by Institute of Human Genetics, Univ. Regensburg, Univ. Regensburg); PubMed 31964843 (cited by Institute of Human Genetics, Univ. Regensburg, Univ. Regensburg); PubMed 31456290 (cited by Institute of Human Genetics, Univ. Regensburg, Univ. Regensburg); PubMed 32531858 (cited by Institute of Human Genetics, Univ. Regensburg, Univ. Regensburg); PubMed 31816670 (cited by Institute of Human Genetics, Univ. Regensburg, Univ. Regensburg).

NM_003322.6(TULP1):c.1047T>G (p.Asn349Lys)

Gene: TULP1 (TUB like protein 1; minus strand). Cytogenetic location: 6p21.31.
Variant type: single nucleotide variant.
Coding change: c.1047T>G on transcript NM_003322.6 (MANE Select); coding-DNA position 1047, T replaced by G.
Protein change: p.Asn349Lys; replaces asparagine 349 with lysine.
Molecular consequence: missense variant.
Genome position (GRCh38, 1-based): chr6:35,505,806, A>C on the plus strand (T>G on the coding strand, the complement: TULP1 is on the minus strand). VCF-style: chr6-35505806-A-C. GRCh37 (hg19) VCF-style: chr6-35473583-A-C.
Other names: c.888T>G, p.Asn296Lys (NM_001289395.2); short protein forms N296K, N349K.
Identifiers: ClinVar variation 812440 (VCV000812440.52), dbSNP rs763272975, ClinGen allele CA3772701.